The following is an entry in ClinVar:

NM_004168.4(SDHA):c.340A>G (p.Met114Val)

Gene: SDHA (succinate dehydrogenase complex flavoprotein subunit A; plus strand). Cytogenetic location: 5p15.33.
Variant type: single nucleotide variant.
Coding change: c.340A>G on transcript NM_004168.4 (MANE Select); coding-DNA position 340, A replaced by G.
Protein change: p.Met114Val; replaces methionine 114 with valine.
Molecular consequence: missense variant. On other transcripts: intron variant (1).
Genome position (GRCh38, 1-based): chr5:225,446, A>G. VCF-style: chr5-225446-A-G. GRCh37 (hg19) VCF-style: chr5-225561-A-G.
Other names: c.340A>G, p.Met114Val (NM_001330758.2); c.313-437A>G (NM_001294332.2); short protein forms M114V.
Identifiers: ClinVar variation 539638 (VCV000539638.15), dbSNP rs933414586, ClinGen allele CA112815549.

ClinVar aggregate classification (germline): Uncertain significance. Review status: criteria provided, multiple submitters, no conflicts (2 of 4 stars). 3 submissions from 3 submitters: Uncertain significance (3). Last evaluated 2025-11-17.

Conditions:
Dilated cardiomyopathy 1GG (CMD1GG). Identifiers: Orphanet 154, MedGen C3150898, MONDO:0013339, OMIM 613642.
Neurodegeneration with ataxia and late-onset optic atrophy. Identifiers: MedGen C5543254, MONDO:0031006, OMIM 619259.
Mitochondrial complex II deficiency, nuclear type 1. Also called: SUCCINATE CoQ REDUCTASE DEFICIENCY. Identifiers: Orphanet 3208, MedGen C5700310, MONDO:0100294, OMIM 252011.
Pheochromocytoma/paraganglioma syndrome 5. Also called: Paragangliomas 5; SDHA-Related Hereditary Paraganglioma-Pheochromocytoma Syndrome. Identifiers: Orphanet 29072, MedGen C3279992, MONDO:0013602, OMIM 614165.
Hereditary cancer-predisposing syndrome. Also called: Neoplastic Syndromes, Hereditary; Tumor predisposition; Hereditary neoplastic syndrome; Hereditary Cancer Syndrome. Identifiers: Orphanet 140162, MedGen C0027672, MeSH D009386, MONDO:0015356.

Allele frequency attached by ClinVar (database versions not stated): gnomAD exomes below 0.00001; gnomAD 0.00001; TOPMed 0.00001.

Submissions (3):

Labcorp Genetics (formerly Invitae), Labcorp
Classification: Uncertain significance for Pheochromocytoma/paraganglioma syndrome 5; Mitochondrial complex II deficiency, nuclear type 1. Last evaluated: 2025-11-17. Review status: criteria provided, single submitter. Criteria: Invitae Variant Classification Sherloc (09022015). Collection method: clinical testing. Allele origin: germline.
Comment: This sequence change replaces methionine, which is neutral and non-polar, with valine, which is neutral and non-polar, at codon 114 of the SDHA protein (p.Met114Val). This variant is not present in population databases (gnomAD no frequency). This variant has not been reported in the literature in individuals affected with SDHA-related conditions. ClinVar contains an entry for this variant (Variation ID: 539638). Invitae Evidence Modeling of protein sequence and biophysical properties (such as structural, functional, and spatial information, amino acid conservation, physicochemical variation, residue mobility, and thermodynamic stability) indicates that this missense variant is not expected to disrupt SDHA protein function with a negative predictive value of 95%. In summary, the available evidence is currently insufficient to determine the role of this variant in disease. Therefore, it has been classified as a Variant of Uncertain Significance.

Ambry Genetics
Classification: Uncertain significance for Hereditary cancer-predisposing syndrome. Last evaluated: 2024-09-16. Review status: criteria provided, single submitter. Criteria: Ambry Variant Classification Scheme 2023. Collection method: clinical testing. Allele origin: germline.
Comment: The p.M114V variant (also known as c.340A>G), located in coding exon 4 of the SDHA gene, results from an A to G substitution at nucleotide position 340. The methionine at codon 114 is replaced by valine, an amino acid with highly similar properties. This amino acid position is conserved. In addition, the in silico prediction for this alteration is inconclusive. Since supporting evidence is limited at this time, the clinical significance of this alteration remains unclear.

Fulgent Genetics
Classification: Uncertain significance for Mitochondrial complex II deficiency, nuclear type 1; Dilated cardiomyopathy 1GG; Pheochromocytoma/paraganglioma syndrome 5; Neurodegeneration with ataxia and late-onset optic atrophy. Last evaluated: 2021-09-21. Review status: criteria provided, single submitter. Criteria: ACMG Guidelines, 2015. Collection method: clinical testing. Allele origin: unknown.